The following is an entry in ClinVar:

NM_001375567.1(FOCAD):c.277C>A (p.Pro93Thr)

Gene: FOCAD (focadhesin; plus strand). Cytogenetic location: 9p21.3.
Variant type: single nucleotide variant.
Coding change: c.277C>A on transcript NM_001375567.1 (MANE Select); coding-DNA position 277, C replaced by A.
Protein change: p.Pro93Thr; replaces proline 93 with threonine.
Molecular consequence: missense variant.
Genome position (GRCh38, 1-based): chr9:20,720,524, C>A. VCF-style: chr9-20720524-C-A. GRCh37 (hg19) VCF-style: chr9-20720523-C-A.
Other names: c.277C>A, p.Pro93Thr (NM_001375568.1, NM_001375570.1, NM_017794.5); short protein forms P93T.
Identifiers: ClinVar variation 3631784 (VCV003631784.2).
Genomic context (GRCh38, chr9:20,720,524, plus strand): 5'-CTCGTTGCTCAGGATCATGCAGAGTTCAGCTATGTTCTCAATGGGATACTCAACTTGATT[C>A]CATCAACCAGGTACTTTTTCCTCAGTGTTTGGTCAGTTAATGATTTAAGTTTTTAGGAAA-3'
Protein context (NP_001362496.1, residues 83-103): YVLNGILNLI[Pro93Thr]STRNTHGLIK

ClinVar aggregate classification (germline): Uncertain significance (1 of 4 stars; one submission).

gnomAD v4.1: 117 of 1,613,528 alleles (0.0073%); highest among the groups gnomAD compares: Non-Finnish European, 0.009%; no homozygotes.

Submission:

Labcorp Genetics (formerly Invitae), Labcorp
Classification: Uncertain significance. Last evaluated: 2024-10-24. Review status: criteria provided, single submitter. Criteria: Invitae Variant Classification Sherloc (09022015). Collection method: clinical testing. Allele origin: germline.
Comment: This sequence change replaces proline, which is neutral and non-polar, with threonine, which is neutral and polar, at codon 93 of the FOCAD protein (p.Pro93Thr). This variant is present in population databases (rs149661262, gnomAD 0.007%). This variant has not been reported in the literature in individuals affected with FOCAD-related conditions. Experimental studies and prediction algorithms are not available or were not evaluated, and the functional significance of this variant is currently unknown. In summary, the available evidence is currently insufficient to determine the role of this variant in disease. Therefore, it has been classified as a Variant of Uncertain Significance.